The following is an entry in ClinVar:

NM_004982.4(KCNJ8):c.601G>A (p.Val201Ile)

Genes: KCNJ8 (potassium inwardly rectifying channel subfamily J member 8; minus strand), KCNJ8-AS1 (KCNJ8 antisense RNA 1; plus strand). Cytogenetic location: 12p12.1.
Variant type: single nucleotide variant.
Coding change: c.601G>A on transcript NM_004982.4 (MANE Select); coding-DNA position 601, G replaced by A.
Protein change: p.Val201Ile; replaces valine 201 with isoleucine.
Molecular consequence: missense variant.
Genome position (GRCh38, 1-based): chr12:21,766,397, C>T on the plus strand (G>A on the coding strand, the complement: KCNJ8 is on the minus strand). VCF-style: chr12-21766397-C-T. GRCh37 (hg19) VCF-style: chr12-21919331-C-T.
Other names: p.Val201Ile; c.601G>A (NM_004982.2, NM_004982.3); short protein forms V201I.
Identifiers: ClinVar variation 1026931 (VCV001026931.11), dbSNP rs750317966, ClinGen allele CA6480667.

ClinVar aggregate classification (germline): Uncertain significance. Review status: criteria provided, multiple submitters, no conflicts (2 of 4 stars). 4 submissions from 4 submitters: Uncertain significance (3). 1 of the submissions does not count toward it. Last evaluated 2025-02-25.

Conditions:
Cardiovascular phenotype. Identifiers: MedGen CN230736.
KCNJ8-related disorder. Also called: KCNJ8-related condition.
Brugada syndrome. Also called: Sudden unexpected nocturnal death syndrome; Sudden Unexplained Death Syndrome; Sudden Unexplained Nocturnal Death Syndrome (SUNDS); Sudden unexplained nocturnal death syndrome. Identifiers: Orphanet 130, MedGen C1142166, MONDO:0015263.

Allele frequency attached by ClinVar (database versions not stated): TOPMed below 0.00001; ExAC 0.00001; gnomAD 0.00001; gnomAD exomes 0.00002.
gnomAD v4.1: 28 of 1,614,054 alleles (0.0017%); highest among the groups gnomAD compares: East Asian, 0.0045%; no homozygotes.

Submissions (4):

Mayo Clinic Laboratories, Mayo Clinic
Classification: Uncertain significance. Last evaluated: 2025-02-25. Review status: criteria provided, single submitter. Criteria: ACMG Guidelines, 2015. Collection method: clinical testing. Allele origin: germline. Observed: 1 variant allele.

Labcorp Genetics (formerly Invitae), Labcorp
Classification: Uncertain significance for Brugada syndrome. Last evaluated: 2024-10-18. Review status: criteria provided, single submitter. Criteria: Invitae Variant Classification Sherloc (09022015). Collection method: clinical testing. Allele origin: germline.
Comment: This sequence change replaces valine, which is neutral and non-polar, with isoleucine, which is neutral and non-polar, at codon 201 of the KCNJ8 protein (p.Val201Ile). This variant is present in population databases (rs750317966, gnomAD 0.006%). This variant has not been reported in the literature in individuals affected with KCNJ8-related conditions. ClinVar contains an entry for this variant (Variation ID: 1026931). Invitae Evidence Modeling of protein sequence and biophysical properties (such as structural, functional, and spatial information, amino acid conservation, physicochemical variation, residue mobility, and thermodynamic stability) indicates that this missense variant is not expected to disrupt KCNJ8 protein function with a negative predictive value of 80%. In summary, the available evidence is currently insufficient to determine the role of this variant in disease. Therefore, it has been classified as a Variant of Uncertain Significance.

Ambry Genetics
Classification: Uncertain significance for Cardiovascular phenotype. Last evaluated: 2024-08-07. Review status: criteria provided, single submitter. Criteria: Ambry Variant Classification Scheme 2023. Collection method: clinical testing. Allele origin: germline.
Comment: The p.V201I variant (also known as c.601G>A), located in coding exon 2 of the KCNJ8 gene, results from a G to A substitution at nucleotide position 601. The valine at codon 201 is replaced by isoleucine, an amino acid with highly similar properties. This amino acid position is conserved. In addition, the in silico prediction for this alteration is inconclusive. Based on the available evidence, the clinical significance of this variant remains unclear.

PreventionGenetics, part of Exact Sciences
Classification: Uncertain significance for KCNJ8-related condition. Last evaluated: 2024-03-19. Review status: no assertion criteria provided. Collection method: clinical testing. Allele origin: germline. Not counted in ClinVar's aggregate classification.
Comment: The KCNJ8 c.601G>A variant is predicted to result in the amino acid substitution p.Val201Ile. To our knowledge, this variant has not been reported in the literature. This variant is reported in 0.0058% of alleles in individuals of Latino descent in gnomAD. At this time, the clinical significance of this variant is uncertain due to the absence of conclusive functional and genetic evidence.